The following is an entry in ClinVar:

ClinVar aggregate classification (germline): Likely benign (1 of 4 stars; one submission).

Allele frequency attached by ClinVar (database versions not stated): ExAC 0.00003; TOPMed 0.00003; ESP Exome Variant Server 0.00008; 1000 Genomes Project 30x 0.00016; 1000 Genomes Project 0.00020.
gnomAD v4.1: 28 of 1,610,758 alleles (0.0017%); highest among the groups gnomAD compares: African/African-American, 0.011%; no homozygotes.

Submission:

CeGaT Center for Human Genetics Tuebingen
Classification: Likely benign. Last evaluated: 2022-08-01. Review status: criteria provided, single submitter. Criteria: CeGaT Center For Human Genetics Tuebingen Variant Classification Criteria Version 2. Collection method: clinical testing. Allele origin: germline. Affected: yes. Observed: 1 variant allele.
Comment: DIAPH3: BP4, BP7

NM_001042517.2(DIAPH3):c.768G>A (p.Thr256=)

Genes: DIAPH3 (diaphanous related formin 3; minus strand), DIAPH3-AS1 (DIAPH3 antisense RNA 1; plus strand). Cytogenetic location: 13q21.2.
Variant type: single nucleotide variant.
Coding change: c.768G>A on transcript NM_001042517.2 (MANE Select); coding-DNA position 768, G replaced by A.
Protein change: p.Thr256=; no amino-acid change (threonine 256 retained).
Molecular consequence: synonymous variant.
Genome position (GRCh38, 1-based): chr13:60,015,916, C>T on the plus strand (G>A on the coding strand, the complement: DIAPH3 is on the minus strand). VCF-style: chr13-60015916-C-T. GRCh37 (hg19) VCF-style: chr13-60590050-C-T.
Other names: c.735G>A, p.Thr245= (NM_001258366.2); c.630G>A, p.Thr210= (NM_001258367.2); c.558G>A, p.Thr186= (NM_001258368.2); c.768G>A, p.Thr256= (NM_001258369.2).
Identifiers: ClinVar variation 2643832 (VCV002643832.24), dbSNP rs111767524, ClinGen allele CA6996907.